The following is an entry in ClinVar:

NM_003038.5(SLC1A4):c.1169C>G (p.Ala390Gly)

Gene: SLC1A4 (solute carrier family 1 member 4; plus strand). Cytogenetic location: 2p14.
Variant type: single nucleotide variant.
Coding change: c.1169C>G on transcript NM_003038.5 (MANE Select); coding-DNA position 1169, C replaced by G.
Protein change: p.Ala390Gly; replaces alanine 390 with glycine.
Molecular consequence: missense variant.
Genome position (GRCh38, 1-based): chr2:65,018,205, C>G. VCF-style: chr2-65018205-C-G. GRCh37 (hg19) VCF-style: chr2-65245339-C-G.
Other names: c.275C>G, p.Ala92Gly (NM_001193493.2); c.509C>G, p.Ala170Gly (NM_001348406.2, NM_001348407.2); short protein forms A170G, A390G, A92G.
Identifiers: ClinVar variation 2419945 (VCV002419945.5), dbSNP rs150614530, ClinGen allele CA49347291.
Genomic context (GRCh38, chr2:65,018,205, plus strand): 5'-TTCTCCCCATCGGGGCCACCGTGAACATGGACGGAGCAGCCATCTTCCAGTGTGTGGCCG[C>G]GGTGTTCATTGCGCAACTCAACAACGTAGAGCTCAACGCAGGACAGATTTTCACCATTCT-3'
Protein context (NP_003029.2, residues 380-400): DGAAIFQCVA[Ala390Gly]VFIAQLNNVE

ClinVar aggregate classification (germline): Uncertain significance (1 of 4 stars; one submission).

gnomAD v4.1: 36 of 1,614,182 alleles (0.0022%); highest among the groups gnomAD compares: African/African-American, 0.035%; no homozygotes.

Submission:

Labcorp Genetics (formerly Invitae), Labcorp
Classification: Uncertain significance. Last evaluated: 2024-12-16. Review status: criteria provided, single submitter. Criteria: Invitae Variant Classification Sherloc (09022015). Collection method: clinical testing. Allele origin: germline.
Comment: This sequence change replaces alanine, which is neutral and non-polar, with glycine, which is neutral and non-polar, at codon 390 of the SLC1A4 protein (p.Ala390Gly). This variant is present in population databases (no rsID available, gnomAD 0.02%). This variant has not been reported in the literature in individuals affected with SLC1A4-related conditions. ClinVar contains an entry for this variant (Variation ID: 2419945). Invitae Evidence Modeling of protein sequence and biophysical properties (such as structural, functional, and spatial information, amino acid conservation, physicochemical variation, residue mobility, and thermodynamic stability) indicates that this missense variant is not expected to disrupt SLC1A4 protein function with a negative predictive value of 80%. In summary, the available evidence is currently insufficient to determine the role of this variant in disease. Therefore, it has been classified as a Variant of Uncertain Significance.